The following is an entry in ClinVar:

NM_000128.4(F11):c.1270C>T (p.Gln424Ter)

Gene: F11 (coagulation factor XI; plus strand). Cytogenetic location: 4q35.2.
Variant type: single nucleotide variant.
Coding change: c.1270C>T on transcript NM_000128.4 (MANE Select); coding-DNA position 1270, C replaced by T.
Protein change: p.Gln424Ter; replaces glutamine 424 with a stop codon.
Molecular consequence: nonsense.
Genome position (GRCh38, 1-based): chr4:186,284,226, C>T. VCF-style: chr4-186284226-C-T. GRCh37 (hg19) VCF-style: chr4-187205380-C-T.
Other names: c.1222C>T, p.Gln408Ter (NM_001440590.1, NM_001440596.1); c.1270C>T, p.Gln424Ter (NM_001440593.1); c.1000C>T, p.Gln334Ter (NM_001440605.1, NM_001440607.1); c.952C>T, p.Gln318Ter (NM_001440606.1, NM_001440608.1); short protein forms Q318*, Q334*, Q408*, Q424*.
Identifiers: ClinVar variation 4817484 (VCV004817484.2).

ClinVar aggregate classification (germline): Pathogenic/Likely pathogenic. Review status: criteria provided, multiple submitters, no conflicts (2 of 4 stars). 2 submissions from 2 submitters: Pathogenic (1); Likely pathogenic (1). Last evaluated 2024-06-24.

Conditions:
Hereditary factor XI deficiency disease. Also called: PLASMA THROMBOPLASTIN ANTECEDENT DEFICIENCY; PTA DEFICIENCY; ROSENTHAL SYNDROME; Congenital factor XI deficiency. Identifiers: Orphanet 329, MedGen C0015523, MeSH D005173, MONDO:0012897, OMIM 612416.
Plasma factor XI deficiency.

Submissions (2):

Natera, Inc.
Classification: Likely pathogenic for Plasma factor XI deficiency. Last evaluated: 2024-06-24. Review status: criteria provided, single submitter. Criteria: Natera Variant Classification Schema (03/2026). Collection method: clinical testing. Allele origin: germline.
Comment: The c.1270C>T variant in F11 is a nonsense variant predicted to introduce a stop codon at amino acid 424. This variant is expected to result in nonsense mediated decay, truncation, or a dysfunctional protein product. This variant is rare in the general population with a frequency below the threshold expected for the associated phenotype(s). Given the available evidence, this variant is classified as Likely Pathogenic.

Myriad Genetics, Inc.
Classification: Pathogenic for Hereditary factor XI deficiency disease. Last evaluated: 2024-05-14. Review status: criteria provided, single submitter. Criteria: Myriad Autosomal Dominant, Autosomal Recessive and X-Linked Classification Criteria (2023). Collection method: clinical testing. Allele origin: unknown.
Comment: NM_000128.3(F11):c.1270C>T(Q424*) is expected to be pathogenic in the context of factor XI deficiency. This variant is predicted to lead to an abnormal or absent protein product due to the creation of a premature termination codon in F11, a gene where loss-of-function variants are known to be pathogenic. Please note: this variant was assessed in the context of healthy population screening.